The following is an entry in ClinVar:

NM_007289.4(MME):c.411A>G (p.Lys137=)

Gene: MME (membrane metalloendopeptidase; plus strand). Cytogenetic location: 3q25.2.
Variant type: single nucleotide variant.
Coding change: c.411A>G on transcript NM_007289.4 (MANE Select); coding-DNA position 411, A replaced by G.
Protein change: p.Lys137=; no amino-acid change (lysine 137 retained).
Molecular consequence: synonymous variant.
Genome position (GRCh38, 1-based): chr3:155,116,531, A>G. VCF-style: chr3-155116531-A-G. GRCh37 (hg19) VCF-style: chr3-154834320-A-G.
Other names: c.411A>G (NM_007289.2); c.411A>G, p.Lys137= (NM_000902.5, NM_001354642.2, NM_001354643.1 and 2 more transcripts).
Identifiers: ClinVar variation 1544825 (VCV001544825.9), dbSNP rs199805977, ClinGen allele CA2675134.
Genomic context (GRCh38, chr3:155,116,531, plus strand): 5'-TATTTCAGATGTCCTTCAAGAACCCAAAACTGAAGATATAGTAGCAGTGCAGAAAGCAAA[A>G]GCATTGTACAGGTCTTGTATAAATGAATGTAAGTGCTCTTCATTTGATTTCATTAGGAGT-3'
Protein context (NP_009220.2, residues 127-147): TEDIVAVQKA[Lys137=]ALYRSCINES

ClinVar aggregate classification (germline): Likely benign. Review status: criteria provided, multiple submitters, no conflicts (2 of 4 stars). 2 submissions from 2 submitters: Likely benign (2). Last evaluated 2026-03-26.

Conditions:
MME-related disorder. Also called: MME-related condition.

Allele frequency attached by ClinVar (database versions not stated): ExAC 0.00006; gnomAD exomes 0.00006; ESP Exome Variant Server 0.00008; gnomAD 0.00012; TOPMed 0.00018.
gnomAD v4.1: 52 of 1,612,440 alleles (0.0032%); highest among the groups gnomAD compares: African/African-American, 0.037%; no homozygotes.

Submissions (2):

PreventionGenetics, part of Exact Sciences
Classification: Likely benign for MME-related condition. Last evaluated: 2026-03-26. Review status: criteria provided, single submitter. Criteria: ACMG Guidelines, 2015. Collection method: clinical testing. Allele origin: germline.
Comment: This variant is classified as likely benign based on ACMG/AMP sequence variant interpretation guidelines (Richards et al. 2015 PMID: 25741868, with internal and published modifications).

Labcorp Genetics (formerly Invitae), Labcorp
Classification: Likely benign. Last evaluated: 2025-11-09. Review status: criteria provided, single submitter. Criteria: Invitae Variant Classification Sherloc (09022015). Collection method: clinical testing. Allele origin: germline.